The following is an entry in ClinVar:

ClinVar aggregate classification (germline): Likely pathogenic. Review status: criteria provided, multiple submitters, no conflicts (2 of 4 stars). 2 submissions from 2 submitters: Likely pathogenic (2). Last evaluated 2013-07-12.

Conditions:
FLNA-related disorder.
Heterotopia, periventricular, X-linked dominant (PVNH1). Also called: PERIVENTRICULAR NODULAR HETEROTOPIA 4; HETEROTOPIA, PERIVENTRICULAR, 1; PERIVENTRICULAR NODULAR HETEROTOPIA 1; X-linked periventricular heterotopia. Identifiers: Orphanet 2149, Orphanet 82004, MedGen C1848213, MONDO:0010233, OMIM 300049.

Submissions (3):

Claritas Genomics
Classification: Likely pathogenic for periventricular nodular heterotopia. Last evaluated: 2013-07-12. Review status: criteria provided, single submitter. Criteria: ACMG Guidelines, 2007. Collection method: clinical testing. Allele origin: germline. Inheritance: X-linked inheritance.

Rady Children's Institute for Genomic Medicine, Rady Children's Hospital San Diego
Classification: Likely pathogenic for FLNA-Related Disorders. Review status: criteria provided, single submitter. Criteria: ACMG Guidelines, 2015. Collection method: clinical testing. Allele origin: germline. Affected: yes.
Comment: This variant affects the canonical splice donor site of intron 6 and is therefore predicted to interfere with splicing and result in loss of normal protein function through either protein truncation or nonsense-mediated mRNA decay (NMD). This variant has not been previously reported or functionally characterized in the literature to our knowledge. A different nucleotide change (c.987G>C) affecting the same donor-splicing site has been described in a mother and daughter with bilateral periventricular nodular heterotopia (PMID: 18427995). It is absent from the gnomAD population database and thus is presumed to be rare. Based on the available evidence, the c.987+1G>A variant is classified as Likely Pathogenic.

Dr. Peter K. Rogan Lab, Western University
No classification provided (evidence only). Condition: Thyroid cancer, nonmedullary, 1. Review status: no classification provided. Collection method: in vitro. Allele origin: not applicable. Functional consequence: retained intron. Not counted in ClinVar's aggregate classification.

NM_001110556.2(FLNA):c.987+1G>A

Gene: FLNA (filamin A; minus strand). Cytogenetic location: Xq28.
Variant type: single nucleotide variant.
Coding change: c.987+1G>A on transcript NM_001110556.2 (MANE Select); the canonical splice donor site of the intron after coding-DNA position 987, G replaced by A.
Molecular consequence: splice donor variant.
Genome position (GRCh38, 1-based): chrX:154,366,731, C>T on the plus strand (G>A on the coding strand, the complement: FLNA is on the minus strand). VCF-style: chrX-154366731-C-T. GRCh37 (hg19) VCF-style: chrX-153595099-C-T.
Other names: NC_000023.10:g.153595099C>T; c.987+1G>A (NM_001456.4).
Identifiers: ClinVar variation 190205 (VCV000190205.3), dbSNP rs786205204, ClinGen allele CA274750.